The following is an entry in ClinVar:

ClinVar aggregate classification (germline): Uncertain significance (1 of 4 stars; one submission).

Allele frequency attached by ClinVar (database versions not stated): gnomAD exomes below 0.00001; TOPMed below 0.00001.
gnomAD v4.1: 4 of 1,614,180 alleles (0.00025%); highest among the groups gnomAD compares: South Asian, 0.0033%; no homozygotes.

Submission:

Labcorp Genetics (formerly Invitae), Labcorp
Classification: Uncertain significance. Last evaluated: 2022-05-16. Review status: criteria provided, single submitter. Criteria: Invitae Variant Classification Sherloc (09022015). Collection method: clinical testing. Allele origin: germline.
Comment: This sequence change replaces alanine, which is neutral and non-polar, with valine, which is neutral and non-polar, at codon 1265 of the TTLL5 protein (p.Ala1265Val). This variant is not present in population databases (gnomAD no frequency). This variant has not been reported in the literature in individuals affected with TTLL5-related conditions. Algorithms developed to predict the effect of missense changes on protein structure and function (SIFT, PolyPhen-2, Align-GVGD) all suggest that this variant is likely to be tolerated. Algorithms developed to predict the effect of sequence changes on RNA splicing suggest that this variant may disrupt the consensus splice site. In summary, the available evidence is currently insufficient to determine the role of this variant in disease. Therefore, it has been classified as a Variant of Uncertain Significance.

NM_015072.5(TTLL5):c.3794C>T (p.Ala1265Val)

Gene: TTLL5 (tubulin tyrosine ligase like 5; plus strand). Cytogenetic location: 14q24.3.
Variant type: single nucleotide variant.
Coding change: c.3794C>T on transcript NM_015072.5 (MANE Select); coding-DNA position 3794, C replaced by T.
Protein change: p.Ala1265Val; replaces alanine 1265 with valine.
Molecular consequence: missense variant.
Genome position (GRCh38, 1-based): chr14:75,902,195, C>T. VCF-style: chr14-75902195-C-T. GRCh37 (hg19) VCF-style: chr14-76368538-C-T.
Other names: short protein forms A1265V.
Identifiers: ClinVar variation 1917103 (VCV001917103.2), dbSNP rs2032952897, ClinGen allele CA390538706.